The following is an entry in ClinVar:

NM_025225.3(PNPLA3):c.372G>C (p.Gly124=)

Gene: PNPLA3 (patatin like domain 3, 1-acylglycerol-3-phosphate O-acyltransferase; plus strand). Cytogenetic location: 22q13.31.
Variant type: single nucleotide variant.
Coding change: c.372G>C on transcript NM_025225.3 (MANE Select); coding-DNA position 372, G replaced by C.
Protein change: p.Gly124=; no amino-acid change (glycine 124 retained).
Molecular consequence: synonymous variant.
Genome position (GRCh38, 1-based): chr22:43,927,119, G>C. VCF-style: chr22-43927119-G-C. GRCh37 (hg19) VCF-style: chr22-44322999-G-C.
Identifiers: ClinVar variation 2653273 (VCV002653273.24), dbSNP rs142353105, ClinGen allele CA514856468.

ClinVar aggregate classification (germline): Likely benign (1 of 4 stars; one submission).

gnomAD v4.1: 25 of 1,614,218 alleles (0.0015%); highest among the groups gnomAD compares: Non-Finnish European, 0.002%; no homozygotes.

Submission:

CeGaT Center for Human Genetics Tuebingen
Classification: Likely benign. Last evaluated: 2022-07-01. Review status: criteria provided, single submitter. Criteria: CeGaT Center For Human Genetics Tuebingen Variant Classification Criteria Version 2. Collection method: clinical testing. Allele origin: germline. Affected: yes. Observed: 1 variant allele.
Comment: PNPLA3: BP4, BP7